The following is an entry in ClinVar:

ClinVar aggregate classification (germline): Uncertain significance (1 of 4 stars; one submission).

Submission:

Labcorp Genetics (formerly Invitae), Labcorp
Classification: Uncertain significance. Last evaluated: 2022-09-06. Review status: criteria provided, single submitter. Criteria: Invitae Variant Classification Sherloc (09022015). Collection method: clinical testing. Allele origin: germline.
Comment: In summary, the available evidence is currently insufficient to determine the role of this variant in disease. Therefore, it has been classified as a Variant of Uncertain Significance. Algorithms developed to predict the effect of missense changes on protein structure and function (SIFT, PolyPhen-2, Align-GVGD) all suggest that this variant is likely to be tolerated. This variant has not been reported in the literature in individuals affected with SLC7A14-related conditions. This variant is not present in population databases (gnomAD no frequency). This sequence change replaces glutamic acid, which is acidic and polar, with lysine, which is basic and polar, at codon 382 of the SLC7A14 protein (p.Glu382Lys).

NM_020949.3(SLC7A14):c.1144G>A (p.Glu382Lys)

Genes: SLC7A14 (solute carrier family 7 member 14; minus strand), SLC7A14-AS1 (SLC7A14 antisense RNA 1; plus strand). Cytogenetic location: 3q26.2.
Variant type: single nucleotide variant.
Coding change: c.1144G>A on transcript NM_020949.3 (MANE Select); coding-DNA position 1144, G replaced by A.
Protein change: p.Glu382Lys; replaces glutamic acid 382 with lysine.
Molecular consequence: missense variant.
Genome position (GRCh38, 1-based): chr3:170,481,138, C>T on the plus strand (G>A on the coding strand, the complement: SLC7A14 is on the minus strand). VCF-style: chr3-170481138-C-T. GRCh37 (hg19) VCF-style: chr3-170198927-C-T.
Other names: short protein forms E382K.
Identifiers: ClinVar variation 2002549 (VCV002002549.4), dbSNP rs2473368348, ClinGen allele CA355491377.
Genomic context (GRCh38, chr3:170,481,138, plus strand): 5'-CCAACAGTGCGAGGAGCGCTGCCAGGAACCCCGACACGATGCAGGCCACCACTGGTGTCT[C>T]TGTGTAGGAGCTGACGTGAGCCAGGAACCTGGAGGGGCCGGGCAAGCAGAGGGTTAATGG-3'
Protein context (NP_066000.2, residues 372-392): RFLAHVSSYT[Glu382Lys]TPVVACIVSG